The following is an entry in ClinVar:

NM_152468.5(TMC8):c.1349+13G>A

Gene: TMC8 (transmembrane channel like 8; plus strand). Cytogenetic location: 17q25.3.
Variant type: single nucleotide variant.
Coding change: c.1349+13G>A on transcript NM_152468.5 (MANE Select); 13 bases into the intron after coding-DNA position 1349, G replaced by A.
Molecular consequence: intron variant.
Genome position (GRCh38, 1-based): chr17:78,137,827, G>A. VCF-style: chr17-78137827-G-A. GRCh37 (hg19) VCF-style: chr17-76133908-G-A.
Identifiers: ClinVar variation 1167028 (VCV001167028.16), dbSNP rs16970849, ClinGen allele CA8796815.
Genomic context (GRCh38, chr17:78,137,827, plus strand): 5'-CTTCCTCCTCACCGTGGCCTTCGCCTTCCTGGTCACCCTGCCTCGGAGGTGAGCCCCGGG[G>A]TGACACCTCCAGAAGGGCGGGGGTGCCGCGAGCATGTTGGGGGTGGCCAGTGGCTACAGC-3'

ClinVar aggregate classification (germline): Benign. Review status: criteria provided, multiple submitters, no conflicts (2 of 4 stars). 5 submissions from 5 submitters: Benign (5). Last evaluated 2026-02-04.

Conditions:
Epidermodysplasia verruciformis. Identifiers: Orphanet 302, MedGen C0014522, MONDO:0009176.

Allele frequency attached by ClinVar (database versions not stated): ESP Exome Variant Server 0.09665; ExAC 0.10756; TOPMed 0.12992; 1000 Genomes Project 0.14297; 1000 Genomes Project 30x 0.14756.
gnomAD v4.1: 106,750 of 1,612,106 alleles (6.6%); highest among the groups gnomAD compares: Admixed American, 31%; 7,418 homozygotes.

Submissions (5):

Labcorp Genetics (formerly Invitae), Labcorp
Classification: Benign for Epidermodysplasia verruciformis. Last evaluated: 2026-02-04. Review status: criteria provided, single submitter. Criteria: Invitae Variant Classification Sherloc (09022015). Collection method: clinical testing. Allele origin: germline.

Blueprint Genetics
Classification: Benign. Last evaluated: 2024-11-28. Review status: criteria provided, single submitter. Criteria: ACMG Guidelines, 2015. Collection method: clinical testing. Allele origin: germline.

Unidad de Genómica Garrahan, Hospital de Pediatría Garrahan
Classification: Benign. Last evaluated: 2024-01-24. Review status: criteria provided, single submitter. Criteria: ACMG Guidelines, 2015. Collection method: clinical testing. Allele origin: germline. Affected: no. Observed: 38 variant alleles.
Comment: This variant is classified as Benign based on local population frequency. This variant was detected in 43% of patients studied by a panel of primary immunodeficiencies. Number of patients: 38. Only high quality variants are reported.

GeneDx
Classification: Benign. Last evaluated: 2018-07-09. Review status: criteria provided, single submitter. Criteria: GeneDx Variant Classification Process June 2021. Collection method: clinical testing. Allele origin: germline. Affected: yes.

Breakthrough Genomics
Classification: Benign. Review status: criteria provided, single submitter. Criteria: ACMG Guidelines, 2015. Collection method: not provided. Allele origin: germline. Inheritance: Autosomal recessive inheritance. Affected: yes.